The following is an entry in ClinVar:

NM_001035.3(RYR2):c.2574G>A (p.Thr858=)

Gene: RYR2 (ryanodine receptor 2; plus strand). Cytogenetic location: 1q43.
Variant type: single nucleotide variant.
Coding change: c.2574G>A on transcript NM_001035.3 (MANE Select); coding-DNA position 2574, G replaced by A.
Protein change: p.Thr858=; no amino-acid change (threonine 858 retained).
Molecular consequence: synonymous variant.
Genome position (GRCh38, 1-based): chr1:237,503,466, G>A. VCF-style: chr1-237503466-G-A. GRCh37 (hg19) VCF-style: chr1-237666766-G-A.
Other names: p.T858T:ACG>ACA; c.2574G>A, p.Thr858= (LRG_402t1).
Identifiers: ClinVar variation 201165 (VCV000201165.69), dbSNP rs367992907, ClinGen allele CA008888.

ClinVar aggregate classification (germline): Conflicting classifications of pathogenicity. Review status: criteria provided, conflicting classifications (1 of 4 stars). 15 submissions from 14 submitters: Uncertain significance (2); Benign (2); Likely benign (8). 3 of the submissions do not count toward it. Last evaluated 2026-01-27.

Conditions:
Catecholaminergic polymorphic ventricular tachycardia (CVPT). Also called: Catecholamine-induced polymorphic ventricular tachycardia. Identifiers: Orphanet 3286, MedGen C5574922, MONDO:0017990.
Cardiovascular phenotype. Identifiers: MedGen CN230736.
Cardiomyopathy (CMYO). Also called: Cardiomyopathies. Identifiers: Orphanet 167848, MedGen C0878544, MONDO:0004994, HP:0001638. Inheritance: Various modes of inheritance.
Catecholaminergic polymorphic ventricular tachycardia 1. Also called: RYR2-Related Catecholaminergic Polymorphic Ventricular Tachycardia; VENTRICULAR TACHYCARDIA, CATECHOLAMINERGIC POLYMORPHIC, 1, WITH OR WITHOUT ATRIAL DYSFUNCTION AND/OR DILATED CARDIOMYOPATHY; VENTRICULAR TACHYCARDIA, STRESS-INDUCED POLYMORPHIC 1. Identifiers: Orphanet 3286, MedGen C1631597, MONDO:0011484, OMIM 604772.
Arrhythmogenic right ventricular dysplasia 2. Identifiers: MedGen C1832931.

Allele frequency attached by ClinVar (database versions not stated): ESP Exome Variant Server 0.00008; TOPMed 0.00022; gnomAD 0.00025.
gnomAD v4.1: 258 of 1,613,854 alleles (0.016%); highest among the groups gnomAD compares: Middle Eastern, 0.3%; 1 homozygote.

Submissions (15):

Labcorp Genetics (formerly Invitae), Labcorp
Classification: Likely benign for Catecholaminergic polymorphic ventricular tachycardia 1. Last evaluated: 2026-01-27. Review status: criteria provided, single submitter. Criteria: Invitae Variant Classification Sherloc (09022015). Collection method: clinical testing. Allele origin: germline.

CeGaT Center for Human Genetics Tuebingen
Classification: Likely benign. Last evaluated: 2025-12-01. Review status: criteria provided, single submitter. Criteria: CeGaT Center For Human Genetics Tuebingen Variant Classification Criteria Version 2. Collection method: clinical testing. Allele origin: germline. Affected: yes. Observed: 4 variant alleles.
Comment: RYR2: BP4, BP7

Molecular Diagnostic Laboratory for Inherited Cardiovascular Disease, Montreal Heart Institute
Classification: Likely benign. Last evaluated: 2025-04-09. Review status: criteria provided, single submitter. Criteria: ACMG Guidelines, 2015. Collection method: clinical testing. Allele origin: germline. Affected: no.

Blueprint Genetics
Classification: Likely benign. Last evaluated: 2024-11-20. Review status: criteria provided, single submitter. Criteria: ACMG Guidelines, 2015. Collection method: clinical testing. Allele origin: germline.

Women's Health and Genetics/Laboratory Corporation of America, LabCorp
Classification: Benign. Last evaluated: 2024-11-15. Review status: criteria provided, single submitter. Criteria: LabCorp Variant Classification Summary - May 2015. Collection method: clinical testing. Allele origin: germline.

All of Us Research Program, National Institutes of Health
Classification: Likely benign for Catecholaminergic polymorphic ventricular tachycardia. Last evaluated: 2024-02-05. Review status: criteria provided, single submitter. Criteria: ACMG Guidelines, 2015. Collection method: clinical testing. Allele origin: germline. Inheritance: Autosomal dominant inheritance. Observed: 45 variant alleles, 45 heterozygotes.
Comment: This study involves interpretation of variants in research participants for the purpose of population health screening. Participant phenotype was not available at the time of variant classification. Additional details can be found in publication PMID: 35346344, PMCID: PMC8962531

Color Diagnostics, LLC DBA Color Health
Classification: Likely benign for Cardiomyopathy. Last evaluated: 2018-07-20. Review status: criteria provided, single submitter. Criteria: ACMG Guidelines, 2015. Collection method: clinical testing. Allele origin: germline.

Illumina Laboratory Services, Illumina
Classification: Uncertain significance for Catecholaminergic polymorphic ventricular tachycardia 1. Last evaluated: 2018-01-13. Review status: criteria provided, single submitter. Criteria: ICSL Variant Classification Criteria 13 December 2019. Collection method: clinical testing. Allele origin: germline.

Illumina Laboratory Services, Illumina
Classification: Likely benign for Catecholaminergic polymorphic ventricular tachycardia 1. Last evaluated: 2018-01-13. Review status: criteria provided, single submitter. Criteria: ICSL Variant Classification Criteria 13 December 2019. Collection method: clinical testing. Allele origin: germline.
Comment: This variant was observed in the ICSL laboratory as part of a predisposition screen in an ostensibly healthy population. It had not been previously curated by ICSL or reported in the Human Gene Mutation Database (HGMD: prior to June 1st, 2018), and was therefore a candidate for classification through an automated scoring system. Utilizing variant allele frequency, disease prevalence and penetrance estimates, and inheritance mode, an automated score was calculated to assess if this variant is too frequent to cause the disease. Based on the score and internal cut-off values, a variant classified as likely benign is not then subjected to further curation. The score for this variant resulted in a classification of likely benign for this disease.

Ambry Genetics
Classification: Likely benign for Cardiovascular phenotype. Last evaluated: 2016-10-20. Review status: criteria provided, single submitter. Criteria: Ambry Variant Classification Scheme 2023. Collection method: clinical testing. Allele origin: germline.

CHEO Genetics Diagnostic Laboratory, Children's Hospital of Eastern Ontario
Classification: Uncertain significance for Cardiomyopathy. Last evaluated: 2016-05-19. Review status: criteria provided, single submitter. Criteria: ACMG Guidelines, 2015. Collection method: clinical testing. Allele origin: germline. Study: Canadian Open Genetics Repository.

GeneDx
Classification: Benign. Last evaluated: 2014-09-18. Review status: criteria provided, single submitter. Criteria: GeneDx Variant Classification (06012015). Collection method: clinical testing. Allele origin: germline. Affected: yes.
Comment: This variant is considered likely benign or benign based on one or more of the following criteria: it is a conservative change, it occurs at a poorly conserved position in the protein, it is predicted to be benign by multiple in silico algorithms, and/or has population frequency not consistent with disease.

Clinical Genetics DNA and cytogenetics Diagnostics Lab, Erasmus MC, Erasmus Medical Center
Classification: Likely benign. Review status: no assertion criteria provided. Collection method: clinical testing. Allele origin: germline. Affected: yes. Study: VKGL Data-share Consensus. Not counted in ClinVar's aggregate classification.

Clinical Genetics, Academic Medical Center
Classification: Benign. Review status: no assertion criteria provided. Collection method: clinical testing. Allele origin: germline. Affected: yes. Study: VKGL Data-share Consensus. Not counted in ClinVar's aggregate classification.

Joint Genome Diagnostic Labs from Nijmegen and Maastricht, Radboudumc and MUMC+
Classification: Benign. Review status: no assertion criteria provided. Collection method: clinical testing. Allele origin: germline. Affected: yes. Study: VKGL Data-share Consensus. Not counted in ClinVar's aggregate classification.